The following is an entry in ClinVar:

NM_033360.4(KRAS):c.15A>C (p.Lys5Asn)

Gene: KRAS (KRAS proto-oncogene, GTPase; minus strand). Cytogenetic location: 12p12.1.
Variant type: single nucleotide variant.
Coding change: c.15A>C on transcript NM_033360.4; coding-DNA position 15, A replaced by C.
Protein change: p.Lys5Asn; replaces lysine 5 with asparagine.
Molecular consequence: missense variant.
Genome position (GRCh38, 1-based): chr12:25,245,370, T>G on the plus strand (A>C on the coding strand, the complement: KRAS is on the minus strand). VCF-style: chr12-25245370-T-G. GRCh37 (hg19) VCF-style: chr12-25398304-T-G.
Other names: c.15A>C, p.Lys5Asn (NM_001369786.1, NM_001369787.1, NM_004985.5 and 2 more transcripts); short protein forms K5N.
Identifiers: ClinVar variation 372705 (VCV000372705.2), dbSNP rs104894361, ClinGen allele CA16042877.
Genomic context (GRCh38, chr12:25,245,370, plus strand): 5'-CTGAATTAGCTGTATCGTCAAGGCACTCTTGCCTACGCCACCAGCTCCAACTACCACAAG[T>G]TTATATTCAGTCATTTTCAGCAGGCCTTATAATAAAAATAATGAAAATGTGACTATATTA-3'
Protein context (NP_203524.1, residues 1-15): MTEY[Lys5Asn]LVVVGAGGVG

ClinVar aggregate classification (germline): Pathogenic (1 of 4 stars; one submission).

Submission:

GeneDx
Classification: Pathogenic. Last evaluated: 2015-11-13. Review status: criteria provided, single submitter. Criteria: GeneDx Variant Classification (06012015). Collection method: clinical testing. Allele origin: germline. Affected: yes.
Comment: The K5N variant has not been published previously to our knowledge. It was not observed in approximately 6,500 individuals of European and African American ancestry in the NHLBI Exome Sequencing Project, indicating it is not a common benign variant in these populations. The K5N variant is a semi-conservative amino acid substitution, which may impact secondary protein structure as these residues differ in some properties. This substitution occurs at a position that is conserved across species, and in silico analysis predicts this variant is probably damaging to the protein structure/function. Another nucleotide change (c.15 A>T) leading to the same amino acid substitution (K5N) has been reported previously as pathogenic in association with disorders in the Noonan syndrome spectrum (Bertola et al., 2007; Zenker et al., 2007). A missense variant at the same codon (K5E) has also been reported in the Human Gene Mutation Database in association with a disorder in the Noonan syndrome spectrum (Stenson et al., 2014), supporting the functional importance of this region of the protein.